The following is an entry in ClinVar:

NM_000147.4(FUCA1):c.-12T>C

Gene: FUCA1 (alpha-L-fucosidase 1; minus strand). Cytogenetic location: 1p36.11.
Variant type: single nucleotide variant.
Coding change: c.-12T>C on transcript NM_000147.4; 12 bases upstream of the start codon, T replaced by C.
Genome position (GRCh38, 1-based): chr1:23,868,298, A>G on the plus strand (T>C on the coding strand, the complement: FUCA1 is on the minus strand). VCF-style: chr1-23868298-A-G. GRCh37 (hg19) VCF-style: chr1-24194788-A-G.
Identifiers: ClinVar variation 193051 (VCV000193051.17), dbSNP rs2070954, ClinGen allele CA200283.

ClinVar aggregate classification (germline): Benign. Review status: criteria provided, multiple submitters, no conflicts (2 of 4 stars). 7 submissions from 7 submitters: Benign (4). 3 of the submissions do not count toward it. Last evaluated 2018-01-12.

Conditions:
Fucosidosis. Also called: ALPHA-L-FUCOSIDASE DEFICIENCY. Identifiers: Orphanet 349, MedGen C0016788, MONDO:0009254, OMIM 230000.

Allele frequency attached by ClinVar (database versions not stated): ESP Exome Variant Server 0.07809; TOPMed 0.11223; gnomAD exomes 0.11405; 1000 Genomes Project 0.14277; 1000 Genomes Project 30x 0.14257; ExAC 0.13573.

Submissions (7):

Illumina Laboratory Services, Illumina
Classification: Benign for Fucosidosis. Last evaluated: 2018-01-12. Review status: criteria provided, single submitter. Criteria: ICSL Variant Classification Criteria 13 December 2019. Collection method: clinical testing. Allele origin: germline.
Comment: This variant was observed in the ICSL laboratory as part of a predisposition screen in an ostensibly healthy population. It had not been previously curated by ICSL or reported in the Human Gene Mutation Database (HGMD: prior to June 1st, 2018), and was therefore a candidate for classification through an automated scoring system. Utilizing variant allele frequency, disease prevalence and penetrance estimates, and inheritance mode, an automated score was calculated to assess if this variant is too frequent to cause the disease. Based on the score and internal cut-off values, a variant classified as benign is not then subjected to further curation. The score for this variant resulted in a classification of benign for this disease.

GeneDx
Classification: Benign. Last evaluated: 2015-05-06. Review status: criteria provided, single submitter. Criteria: GeneDx Variant Classification (06012015). Collection method: clinical testing. Allele origin: germline. Affected: yes.
Comment: This variant is considered likely benign or benign based on one or more of the following criteria: it is a conservative change, it occurs at a poorly conserved position in the protein, it is predicted to be benign by multiple in silico algorithms, and/or has population frequency not consistent with disease.

Eurofins Ntd Llc (ga)
Classification: Benign. Last evaluated: 2014-06-26. Review status: criteria provided, single submitter. Criteria: EGL Classification Definitions 2015. Collection method: clinical testing. Allele origin: germline. Observed: 1 variant allele, 1 heterozygote.

Breakthrough Genomics
Classification: Benign. Review status: criteria provided, single submitter. Criteria: ACMG Guidelines, 2015. Collection method: not provided. Allele origin: germline. Inheritance: Autosomal recessive inheritance. Affected: yes.

Mayo Clinic Laboratories, Mayo Clinic
Classification: Benign. Last evaluated: 2015-12-16. Review status: no assertion criteria provided. Collection method: clinical testing. Allele origin: unknown. Not counted in ClinVar's aggregate classification.

Diagnostic Laboratory, Department of Genetics, University Medical Center Groningen
Classification: Benign. Review status: no assertion criteria provided. Collection method: clinical testing. Allele origin: germline. Affected: yes. Study: VKGL Data-share Consensus. Not counted in ClinVar's aggregate classification.

Joint Genome Diagnostic Labs from Nijmegen and Maastricht, Radboudumc and MUMC+
Classification: Benign. Review status: no assertion criteria provided. Collection method: clinical testing. Allele origin: germline. Affected: yes. Study: VKGL Data-share Consensus. Not counted in ClinVar's aggregate classification.